The following is an entry in ClinVar:

NM_000578.4(SLC11A1):c.1492G>A (p.Gly498Ser)

Gene: SLC11A1 (solute carrier family 11 member 1; plus strand). Cytogenetic location: 2q35.
Variant type: single nucleotide variant.
Coding change: c.1492G>A on transcript NM_000578.4 (MANE Select); coding-DNA position 1492, G replaced by A.
Protein change: p.Gly498Ser; replaces glycine 498 with serine.
Molecular consequence: missense variant.
Genome position (GRCh38, 1-based): chr2:218,394,735, G>A. VCF-style: chr2-218394735-G-A. GRCh37 (hg19) VCF-style: chr2-219259458-G-A.
Other names: NC_000002.11:g.219259458G>A; short protein forms G498S.
Identifiers: ClinVar variation 731804 (VCV000731804.6), dbSNP rs142636978, ClinGen allele CA2105382.

ClinVar aggregate classification (germline): Benign. Review status: criteria provided, single submitter (1 of 4 stars). 2 submissions from 2 submitters: Benign (1). 1 of the submissions does not count toward it. Last evaluated 2018-07-16.

Conditions:
SLC11A1-related disorder. Also called: SLC11A1-related condition.

Allele frequency attached by ClinVar (database versions not stated): gnomAD exomes 0.00095 and 0.00273; gnomAD 0.00108 and 0.00141; 1000 Genomes Project 0.00719; 1000 Genomes Project 30x 0.00734; ESP Exome Variant Server 0.00031; TOPMed 0.00130; ExAC 0.00249.

Submissions (5):

Labcorp Genetics (formerly Invitae), Labcorp
Classification: Benign. Last evaluated: 2018-07-16. Review status: criteria provided, single submitter. Criteria: Invitae Variant Classification Sherloc (09022015). Collection method: clinical testing. Allele origin: germline.

PreventionGenetics, part of Exact Sciences
Classification: Benign for SLC11A1-related condition. Last evaluated: 2019-09-30. Review status: no assertion criteria provided. Collection method: clinical testing. Allele origin: germline. Not counted in ClinVar's aggregate classification.
Comment: This variant is classified as benign based on ACMG/AMP sequence variant interpretation guidelines (Richards et al. 2015 PMID: 25741868, with internal and published modifications).

Dr. Peter K. Rogan Lab, Western University
No classification provided (evidence only). Condition: Hepatocellular carcinoma. Review status: no classification provided. Collection method: in vitro. Allele origin: not applicable. Functional consequence: retained intron. Not counted in ClinVar's aggregate classification.

Dr. Peter K. Rogan Lab, Western University
No classification provided (evidence only). Condition: Hepatocellular carcinoma. Review status: no classification provided. Collection method: in vitro. Allele origin: not applicable. Functional consequence: retained intron. Not counted in ClinVar's aggregate classification.

Dr. Peter K. Rogan Lab, Western University
No classification provided (evidence only). Condition: Hepatocellular carcinoma. Review status: no classification provided. Collection method: in vitro. Allele origin: not applicable. Functional consequence: retained intron. Not counted in ClinVar's aggregate classification.